The following is an entry in ClinVar:

NM_002474.3(MYH11):c.1867G>T (p.Asp623Tyr)

Gene: MYH11 (myosin heavy chain 11; minus strand). Cytogenetic location: 16p13.11.
Variant type: single nucleotide variant.
Coding change: c.1867G>T on transcript NM_002474.3 (MANE Select); coding-DNA position 1867, G replaced by T.
Protein change: p.Asp623Tyr; replaces aspartic acid 623 with tyrosine.
Molecular consequence: missense variant.
Genome position (GRCh38, 1-based): chr16:15,750,329, C>A on the plus strand (G>T on the coding strand, the complement: MYH11 is on the minus strand). VCF-style: chr16-15750329-C-A. GRCh37 (hg19) VCF-style: chr16-15844186-C-A.
Other names: c.1888G>T, p.Asp630Tyr (NM_001040113.2, NM_001040114.2); c.1867G>T, p.Asp623Tyr (NM_022844.3); short protein forms D623Y, D630Y.
Identifiers: ClinVar variation 2002651 (VCV002002651.4), dbSNP rs2506298839, ClinGen allele CA394869237.
Genomic context (GRCh38, chr16:15,750,329, plus strand): 5'-AGGCGCTGGGCAGCGAGCTCTCCGTCATCTTGGCCATCTGGTCCAGGCCCACGATGCGGT[C>A]CACTATGGGGCACAGCCAGGGTGGCATCAGCCTCTGGCCCACCCACCCCTAAATAGGCCA-3'
Protein context (NP_002465.1, residues 613-633): KFVADLWKDV[Asp623Tyr]RIVGLDQMAK

ClinVar aggregate classification (germline): Uncertain significance (1 of 4 stars; one submission).

Conditions:
Aortic aneurysm, familial thoracic 4 (AAT4). Also called: AORTIC ANEURYSM/AORTIC DISSECTION AND PATENT DUCTUS ARTERIOSUS. Identifiers: MedGen C1851504, MONDO:0007568, OMIM 132900.

gnomAD v4.1: 1 of 1,598,452 alleles (0.000063%); highest among the groups gnomAD compares: Admixed American, 0.0018%; no homozygotes.

Submission:

Labcorp Genetics (formerly Invitae), Labcorp
Classification: Uncertain significance for Aortic aneurysm, familial thoracic 4. Last evaluated: 2022-06-07. Review status: criteria provided, single submitter. Criteria: Invitae Variant Classification Sherloc (09022015). Collection method: clinical testing. Allele origin: germline.
Comment: This sequence change replaces aspartic acid, which is acidic and polar, with tyrosine, which is neutral and polar, at codon 630 of the MYH11 protein (p.Asp630Tyr). This variant is not present in population databases (gnomAD no frequency). This variant has not been reported in the literature in individuals affected with MYH11-related conditions. Algorithms developed to predict the effect of missense changes on protein structure and function (SIFT, PolyPhen-2, Align-GVGD) all suggest that this variant is likely to be disruptive. In summary, the available evidence is currently insufficient to determine the role of this variant in disease. Therefore, it has been classified as a Variant of Uncertain Significance.